The following is an entry in ClinVar:

Conditions:
Breast-ovarian cancer, familial, susceptibility to, 1 (BROVCA1). Also called: BRCA1 Hereditary Breast and Ovarian Cancer; OVARIAN CANCER, SUSCEPTIBILITY TO. Identifiers: Orphanet 145, MedGen C2676676, MONDO:0011450, OMIM 604370. Disease mechanism: loss of function.

Submission:

Brotman Baty Institute, University of Washington
No classification provided (evidence only). Condition: Breast-ovarian cancer, familial 1. Review status: no classification provided. Collection method: in vitro. Allele origin: not applicable. Functional consequence: functionally_normal.
ClinVar note: "not provided" was previously submitted as the classification for the variant. However, the classification appeared to be based only on an observation of functional data so it was converted to no classification on 2025-07-30.

NM_007294.4(BRCA1):c.5332+6A>G

Gene: BRCA1 (BRCA1 DNA repair associated; minus strand). Cytogenetic location: 17q21.31.
Variant type: single nucleotide variant.
Coding change: c.5332+6A>G on transcript NM_007294.4 (MANE Select); 6 bases into the intron after coding-DNA position 5332, A replaced by G.
Molecular consequence: intron variant.
Genome position (GRCh38, 1-based): chr17:43,051,057, T>C on the plus strand (A>G on the coding strand, the complement: BRCA1 is on the minus strand). VCF-style: chr17-43051057-T-C. GRCh37 (hg19) VCF-style: chr17-41203074-T-C.
Other names: c.4996+6A>G (NM_001407955.1, NM_001407951.1, NM_001407954.1 and 3 more transcripts); c.1807+6A>G (NM_001408493.1, NM_001408492.1); c.1810+6A>G (NM_001408490.1, NM_001408489.1, NM_001408482.1 and 5 more transcripts); c.5116+6A>G (NM_001407915.1, NM_001407916.1, NM_001407917.1 and 1 more transcripts); c.5119+6A>G (NM_001407895.1, NM_001407910.1, NM_001407904.1 and 12 more transcripts); c.5185+6A>G (NM_001407853.1, NM_001407843.1, NM_001407847.1 and 12 more transcripts); c.1756+6A>G (NM_001408502.1, NM_001408504.1, NM_001408503.1); c.4999+6A>G (NM_001407946.1, NM_001407948.1, NM_001407947.1 and 1 more transcripts); and 74 more.
Identifiers: ClinVar variation 865604 (VCV000865604.3), dbSNP rs2051193269, ClinGen allele CA916081019.